The following is an entry in ClinVar:

NM_016156.6(MTMR2):c.1851G>C (p.Glu617Asp)

Gene: MTMR2 (myotubularin related protein 2; minus strand). Cytogenetic location: 11q21.
Variant type: single nucleotide variant.
Coding change: c.1851G>C on transcript NM_016156.6 (MANE Select); coding-DNA position 1851, G replaced by C.
Protein change: p.Glu617Asp; replaces glutamic acid 617 with aspartic acid.
Molecular consequence: missense variant.
Genome position (GRCh38, 1-based): chr11:95,835,371, C>G on the plus strand (G>C on the coding strand, the complement: MTMR2 is on the minus strand). VCF-style: chr11-95835371-C-G. GRCh37 (hg19) VCF-style: chr11-95568535-C-G.
Other names: c.1635G>C, p.Glu545Asp (NM_001243571.2, NM_201278.3, NM_201281.3); short protein forms E617D, E545D.
Identifiers: ClinVar variation 661465 (VCV000661465.8), dbSNP rs369804894, ClinGen allele CA226591057.

ClinVar aggregate classification (germline): Uncertain significance (1 of 4 stars; one submission).

Conditions:
Charcot-Marie-Tooth disease type 4. Also called: Charcot-Marie-Tooth disease, type IV; Charcot-Marie-Tooth, Type 4. Identifiers: Orphanet 64749, MedGen C4082197, MONDO:0018995.

Allele frequency attached by ClinVar (database versions not stated): gnomAD exomes 0.00001; gnomAD 0.00002; ESP Exome Variant Server 0.00008; TOPMed 0.00002.
gnomAD v4.1: 11 of 1,613,006 alleles (0.00068%); highest among the groups gnomAD compares: African/African-American, 0.0013%; no homozygotes.

Submission:

Labcorp Genetics (formerly Invitae), Labcorp
Classification: Uncertain significance for Charcot-Marie-Tooth disease type 4. Last evaluated: 2021-08-31. Review status: criteria provided, single submitter. Criteria: Invitae Variant Classification Sherloc (09022015). Collection method: clinical testing. Allele origin: germline.
Comment: This sequence change replaces glutamic acid with aspartic acid at codon 617 of the MTMR2 protein (p.Glu617Asp). The glutamic acid residue is highly conserved and there is a small physicochemical difference between glutamic acid and aspartic acid. This variant is not present in population databases (ExAC no frequency). This variant has not been reported in the literature in individuals affected with MTMR2-related conditions. Algorithms developed to predict the effect of missense changes on protein structure and function are either unavailable or do not agree on the potential impact of this missense change (SIFT: "Deleterious"; PolyPhen-2: "Benign"; Align-GVGD: "Class C0"). In summary, the available evidence is currently insufficient to determine the role of this variant in disease. Therefore, it has been classified as a Variant of Uncertain Significance.